The following is an entry in ClinVar:

ClinVar aggregate classification (germline): Uncertain significance (1 of 4 stars; one submission).

Conditions:
Candidiasis, familial, 9 (CANDF9). Identifiers: Orphanet 1334, MedGen C4225324, MONDO:0014642, OMIM 616445.

Submission:

Labcorp Genetics (formerly Invitae), Labcorp
Classification: Uncertain significance for Candidiasis, familial, 9. Last evaluated: 2021-11-17. Review status: criteria provided, single submitter. Criteria: Invitae Variant Classification Sherloc (09022015). Collection method: clinical testing. Allele origin: germline.
Comment: This variant has not been reported in the literature in individuals affected with IL17RC-related conditions. This sequence change replaces threonine, which is neutral and polar, with proline, which is neutral and non-polar, at codon 248 of the IL17RC protein (p.Thr248Pro). This variant is not present in population databases (gnomAD no frequency). Algorithms developed to predict the effect of missense changes on protein structure and function are either unavailable or do not agree on the potential impact of this missense change (SIFT: "Deleterious"; PolyPhen-2: "Probably Damaging"; Align-GVGD: "Class C0"). In summary, the available evidence is currently insufficient to determine the role of this variant in disease. Therefore, it has been classified as a Variant of Uncertain Significance.

NM_153460.4(IL17RC):c.529A>C (p.Thr177Pro)

Gene: IL17RC (interleukin 17 receptor C; plus strand). Cytogenetic location: 3p25.3.
Variant type: single nucleotide variant.
Coding change: c.529A>C on transcript NM_153460.4 (MANE Select); coding-DNA position 529, A replaced by C.
Protein change: p.Thr177Pro; replaces threonine 177 with proline.
Molecular consequence: missense variant. On other transcripts: non-coding transcript variant (1).
Genome position (GRCh38, 1-based): chr3:9,920,554, A>C. VCF-style: chr3-9920554-A-C. GRCh37 (hg19) VCF-style: chr3-9962238-A-C.
Other names: c.529A>C, p.Thr177Pro (NM_001203263.2, NM_001203264.2, NM_001203265.2 and 4 more transcripts); c.454A>C, p.Thr152Pro (NM_001367279.1); c.742A>C, p.Thr248Pro (NM_153461.4); short protein forms T152P, T177P, T248P.
Identifiers: ClinVar variation 1929802 (VCV001929802.5), dbSNP rs2470142014, ClinGen allele CA351757128.
Genomic context (GRCh38, chr3:9,920,554, plus strand): 5'-TCTGTGGTATATGACTGCTTCGAGGCTGCCCTAGGGAGTGAGGTACGAATCTGGTCCTAT[A>C]CTCAGCCCAGGTACGAGAAGGAACTCAACCACACACAGCAGCTGCCTGGTAAGTGGACCC-3'
Protein context (NP_703190.2, residues 167-187): LGSEVRIWSY[Thr177Pro]QPRYEKELNH